The following is an entry in ClinVar:

ClinVar aggregate classification (germline): Uncertain significance (1 of 4 stars; one submission).

Allele frequency attached by ClinVar (database versions not stated): gnomAD exomes below 0.00001.
gnomAD v4.1: 1 of 1,613,770 alleles (0.000062%); highest among the groups gnomAD compares: Non-Finnish European, 0.000085%; no homozygotes.

Submission:

Ambry Genetics
Classification: Uncertain significance. Last evaluated: 2023-06-24. Review status: criteria provided, single submitter. Criteria: Ambry Variant Classification Scheme 2023. Collection method: clinical testing. Allele origin: germline.
Comment: The p.E540V variant (also known as c.1619A>T), located in coding exon 16 of the KIF1B gene, results from an A to T substitution at nucleotide position 1619. The glutamic acid at codon 540 is replaced by valine, an amino acid with dissimilar properties. This amino acid position is well conserved in available vertebrate species. In addition, this alteration is predicted to be deleterious by in silico analysis. Since supporting evidence is limited at this time, the clinical significance of this alteration remains unclear.

NM_001365951.3(KIF1B):c.1757A>T (p.Glu586Val)

Gene: KIF1B (kinesin family member 1B; plus strand). Cytogenetic location: 1p36.22.
Variant type: single nucleotide variant.
Coding change: c.1757A>T on transcript NM_001365951.3 (MANE Select); coding-DNA position 1757, A replaced by T.
Protein change: p.Glu586Val; replaces glutamic acid 586 with valine.
Molecular consequence: missense variant.
Genome position (GRCh38, 1-based): chr1:10,295,746, A>T. VCF-style: chr1-10295746-A-T. GRCh37 (hg19) VCF-style: chr1-10355804-A-T.
Other names: c.1757A>T, p.Glu586Val (NM_001365952.1); c.1619A>T, p.Glu540Val (NM_001365953.1, NM_015074.3, NM_183416.4); short protein forms E540V, E586V.
Identifiers: ClinVar variation 1776550 (VCV001776550.3), dbSNP rs2521391211, ClinGen allele CA338315149.